The following is an entry in ClinVar:

ClinVar aggregate classification (germline): Likely pathogenic (1 of 4 stars; one submission).

Conditions:
Hypertrophic cardiomyopathy. Also called: HYPERTROPHIC MYOCARDIOPATHY. Identifiers: Orphanet 217569, MedGen C0007194, MeSH D002312, MONDO:0005045, HP:0001639.

Submission:

Labcorp Genetics (formerly Invitae), Labcorp
Classification: Likely pathogenic for Hypertrophic cardiomyopathy. Last evaluated: 2022-02-08. Review status: criteria provided, single submitter. Criteria: Invitae Variant Classification Sherloc (09022015). Collection method: clinical testing. Allele origin: germline.
Comment: This sequence change replaces glutamine, which is neutral and polar, with proline, which is neutral and non-polar, at codon 175 of the TNNI3 protein (p.Gln175Pro). In summary, the currently available evidence indicates that the variant is pathogenic, but additional data are needed to prove that conclusively. Therefore, this variant has been classified as Likely Pathogenic. Algorithms developed to predict the effect of missense changes on protein structure and function (SIFT, PolyPhen-2, Align-GVGD) all suggest that this variant is likely to be disruptive. This missense change has been observed in individual(s) with clinical features of TNNI3-related conditions (Invitae). In at least one individual the variant was observed to be de novo. This variant is not present in population databases (gnomAD no frequency).

NM_000363.5(TNNI3):c.524A>C (p.Gln175Pro)

Gene: TNNI3 (troponin I3, cardiac type; minus strand). Cytogenetic location: 19q13.42.
Variant type: single nucleotide variant.
Coding change: c.524A>C on transcript NM_000363.5 (MANE Select); coding-DNA position 524, A replaced by C.
Protein change: p.Gln175Pro; replaces glutamine 175 with proline.
Molecular consequence: missense variant.
Genome position (GRCh38, 1-based): chr19:55,154,055, T>G on the plus strand (A>C on the coding strand, the complement: TNNI3 is on the minus strand). VCF-style: chr19-55154055-T-G. GRCh37 (hg19) VCF-style: chr19-55665423-T-G.
Other names: short protein forms Q175P.
Identifiers: ClinVar variation 2088002 (VCV002088002.4), dbSNP rs2515498269, ClinGen allele CA407440275.